The following is an entry in ClinVar:

NM_001084.5(PLOD3):c.650G>A (p.Arg217Gln)

Gene: PLOD3 (procollagen-lysine,2-oxoglutarate 5-dioxygenase 3; minus strand). Cytogenetic location: 7q22.1.
Variant type: single nucleotide variant.
Coding change: c.650G>A on transcript NM_001084.5 (MANE Select); coding-DNA position 650, G replaced by A.
Protein change: p.Arg217Gln; replaces arginine 217 with glutamine.
Molecular consequence: missense variant.
Genome position (GRCh38, 1-based): chr7:101,215,118, C>T on the plus strand (G>A on the coding strand, the complement: PLOD3 is on the minus strand). VCF-style: chr7-101215118-C-T. GRCh37 (hg19) VCF-style: chr7-100858399-C-T.
Other names: short protein forms R217Q.
Identifiers: ClinVar variation 2419075 (VCV002419075.3), dbSNP rs200249528, ClinGen allele CA163352965.

ClinVar aggregate classification (germline): Uncertain significance (1 of 4 stars; one submission).

Allele frequency attached by ClinVar (database versions not stated): TOPMed below 0.00001; gnomAD exomes 0.00001; gnomAD 0.00002.
gnomAD v4.1: 15 of 1,613,488 alleles (0.00093%); highest among the groups gnomAD compares: East Asian, 0.0045%; no homozygotes.

Submission:

Labcorp Genetics (formerly Invitae), Labcorp
Classification: Uncertain significance. Last evaluated: 2022-07-31. Review status: criteria provided, single submitter. Criteria: Invitae Variant Classification Sherloc (09022015). Collection method: clinical testing. Allele origin: germline.
Comment: This sequence change replaces arginine, which is basic and polar, with glutamine, which is neutral and polar, at codon 217 of the PLOD3 protein (p.Arg217Gln). This variant is present in population databases (rs200249528, gnomAD 0.008%). This variant has not been reported in the literature in individuals affected with PLOD3-related conditions. Algorithms developed to predict the effect of missense changes on protein structure and function output the following: SIFT: "Deleterious"; PolyPhen-2: "Benign"; Align-GVGD: "Class C0". The glutamine amino acid residue is found in multiple mammalian species, which suggests that this missense change does not adversely affect protein function. Algorithms developed to predict the effect of sequence changes on RNA splicing suggest that this variant may disrupt the consensus splice site. In summary, the available evidence is currently insufficient to determine the role of this variant in disease. Therefore, it has been classified as a Variant of Uncertain Significance.